The following is an entry in ClinVar:

NM_080680.3(COL11A2):c.4538G>A (p.Arg1513Gln)

Gene: COL11A2 (collagen type XI alpha 2 chain; minus strand). Cytogenetic location: 6p21.32.
Variant type: single nucleotide variant.
Coding change: c.4538G>A on transcript NM_080680.3 (MANE Select); coding-DNA position 4538, G replaced by A.
Protein change: p.Arg1513Gln; replaces arginine 1513 with glutamine.
Molecular consequence: missense variant.
Genome position (GRCh38, 1-based): chr6:33,165,761, C>T on the plus strand (G>A on the coding strand, the complement: COL11A2 is on the minus strand). VCF-style: chr6-33165761-C-T. GRCh37 (hg19) VCF-style: chr6-33133538-C-T.
Other names: p.Arg1513Gln; c.4217G>A, p.Arg1406Gln (NM_080679.3); c.4280G>A, p.Arg1427Gln (NM_080681.3); short protein forms R1406Q, R1427Q, R1513Q.
Identifiers: ClinVar variation 1200400 (VCV001200400.13), dbSNP rs371674362, ClinGen allele CA3750056.
Genomic context (GRCh38, chr6:33,165,761, plus strand): 5'-GCTCCCCCGGTCGGTATGGCCTCATCTTCCTGCATCAGACGGCTTCCATCCACCGAGCGC[C>T]GAGTCTTCTTGGGCATCTGAATGGGCAGTGGCTGGATCACCTCGCCTGGGGGACCCTGGG-3'
Protein context (NP_542411.2, residues 1503-1523): PLPIQMPKKT[Arg1513Gln]RSVDGSRLMQ

ClinVar aggregate classification (germline): Conflicting classifications of pathogenicity. Review status: criteria provided, conflicting classifications (1 of 4 stars). 5 submissions from 5 submitters: Uncertain significance (4); Benign (1). Last evaluated 2025-12-04.

Conditions:
COL11A2-related disorder. Also called: COL11A2-related condition; COL11A2-related disorders.

Allele frequency attached by ClinVar (database versions not stated): gnomAD exomes 0.00001 and 0.00002; ExAC 0.00004; ESP Exome Variant Server 0.00008; gnomAD 0.00011 and 0.00013; TOPMed 0.00016.
gnomAD v4.1: 35 of 1,612,744 alleles (0.0022%); highest among the groups gnomAD compares: African/African-American, 0.028%; no homozygotes.

Submissions (5):

GeneDx
Classification: Uncertain significance. Last evaluated: 2025-12-04. Review status: criteria provided, single submitter. Criteria: GeneDx Variant Classification Process June 2021. Collection method: clinical testing. Allele origin: germline. Affected: yes.
Comment: In silico analysis suggests that this missense variant does not alter protein structure/function; Has not been previously published as pathogenic or benign to our knowledge

Labcorp Genetics (formerly Invitae), Labcorp
Classification: Benign. Last evaluated: 2025-10-29. Review status: criteria provided, single submitter. Criteria: Invitae Variant Classification Sherloc (09022015). Collection method: clinical testing. Allele origin: germline.

Daryl Scott Lab, Baylor College of Medicine
Classification: Uncertain significance for COL11A2-related disorder. Last evaluated: 2024-01-01. Review status: criteria provided, single submitter. Criteria: ACMG Guidelines, 2015. Collection method: clinical testing. Allele origin: paternal. Observed: 1 heterozygote.
Comment: PM2

Mayo Clinic Laboratories, Mayo Clinic
Classification: Uncertain significance. Last evaluated: 2022-11-28. Review status: criteria provided, single submitter. Criteria: ACMG Guidelines, 2015. Collection method: clinical testing. Allele origin: germline. Observed: 1 variant allele.
Comment: PM2_supporting

Blueprint Genetics
Classification: Uncertain significance. Last evaluated: 2022-03-23. Review status: criteria provided, single submitter. Criteria: ACMG Guidelines, 2015. Collection method: clinical testing. Allele origin: germline.